The following is an entry in ClinVar:

NM_001244008.2(KIF1A):c.475A>C (p.Asn159His)

Gene: KIF1A (kinesin family member 1A; minus strand). Cytogenetic location: 2q37.3.
Variant type: single nucleotide variant.
Coding change: c.475A>C on transcript NM_001244008.2 (MANE Select); coding-DNA position 475, A replaced by C.
Protein change: p.Asn159His; replaces asparagine 159 with histidine.
Molecular consequence: missense variant.
Genome position (GRCh38, 1-based): chr2:240,786,468, T>G on the plus strand (A>C on the coding strand, the complement: KIF1A is on the minus strand). VCF-style: chr2-240786468-T-G. GRCh37 (hg19) VCF-style: chr2-241725885-T-G.
Other names: c.475A>C, p.Asn159His (NM_004321.8, NM_001320705.2, NM_001330289.2 and 21 more transcripts); short protein forms N159H.
Identifiers: ClinVar variation 2574760 (VCV002574760.1), dbSNP rs2538354015, ClinGen allele CA351306728.

ClinVar aggregate classification (germline): Uncertain significance (1 of 4 stars; one submission).

Submission:

GeneDx
Classification: Uncertain significance. Last evaluated: 2023-02-07. Review status: criteria provided, single submitter. Criteria: GeneDx Variant Classification Process June 2021. Collection method: clinical testing. Allele origin: germline. Affected: yes.
Comment: Not observed at significant frequency in large population cohorts (gnomAD); In silico analysis supports that this missense variant has a deleterious effect on protein structure/function; Has not been previously published as pathogenic or benign to our knowledge; This variant is associated with the following publications: (PMID: 26125038, 2182009, 21376300)